The following is an entry in ClinVar:

NM_000155.4(GALT):c.313G>A (p.Asp105Asn)

Gene: GALT (galactose-1-phosphate uridylyltransferase; plus strand). Cytogenetic location: 9p13.3.
Variant type: single nucleotide variant.
Coding change: c.313G>A on transcript NM_000155.4 (MANE Select); coding-DNA position 313, G replaced by A.
Protein change: p.Asp105Asn; replaces aspartic acid 105 with asparagine.
Molecular consequence: missense variant. On other transcripts: intron variant (1).
Genome position (GRCh38, 1-based): chr9:34,647,552, G>A. VCF-style: chr9-34647552-G-A. GRCh37 (hg19) VCF-style: chr9-34647549-G-A.
Other names: c.51-280G>A (NM_001258332.2); short protein forms D105N.
Identifiers: ClinVar variation 633237 (VCV000633237.1), dbSNP rs1564100971, ClinGen allele CA373280067.
Genomic context (GRCh38, chr9:34,647,552, plus strand): 5'-GTGAATCCCCAGTACGATAGCACCTTCCTGTTTGACAACGACTTCCCAGCTCTGCAGCCT[G>A]ATGCCCCCAGTCCAGGTAACCTGGCTCCAACTGCTGCTGGGGAGGAGGGTGGCTAGACCT-3'
Protein context (NP_000146.2, residues 95-115): FDNDFPALQP[Asp105Asn]APSPGPSDHP

ClinVar aggregate classification (germline): Uncertain significance (1 of 4 stars; one submission).

Submission:

Women's Health and Genetics/Laboratory Corporation of America, LabCorp
Classification: Uncertain significance. Last evaluated: 2018-04-30. Review status: criteria provided, single submitter. Criteria: LabCorp Variant Classification Summary - May 2015. Collection method: clinical testing. Allele origin: germline.
Comment: Variant summary: GALT c.313G>A (Asp105Asn) results in a non-conservative amino acid change located in the N-terminal of the Galactose-1-phosphate uridyl transferase (IPR005849) of the encoded protein sequence. Two of three in-silico tools predict a damaging effect of the variant on protein function. The variant was absent in 121412 control chromosomes (ExAC). The available data on variant occurrences in the general population are insufficient to allow any conclusion about variant significance. To our knowledge, no occurrence of c.313G>A in individuals affected with Galactosemia and no experimental evidence demonstrating its impact on protein function have been reported. One clinical diagnostic laboratory has submitted clinical-significance assessments for this variant to ClinVar after 2014 and classified the variant as uncertain significance. Based on the evidence outlined above, the variant was classified as uncertain significance.